The following is an entry in ClinVar:

NM_020778.5(ALPK3):c.1163A>T (p.Lys388Met)

Gene: ALPK3 (alpha kinase 3; plus strand). Cytogenetic location: 15q25.3.
Variant type: single nucleotide variant.
Coding change: c.1163A>T on transcript NM_020778.5 (MANE Select); coding-DNA position 1163, A replaced by T.
Protein change: p.Lys388Met; replaces lysine 388 with methionine.
Molecular consequence: missense variant.
Genome position (GRCh38, 1-based): chr15:84,840,442, A>T. VCF-style: chr15-84840442-A-T. GRCh37 (hg19) VCF-style: chr15-85383673-A-T.
Other names: short protein forms K388M.
Identifiers: ClinVar variation 1779729 (VCV001779729.4), dbSNP rs1446032178, ClinGen allele CA393374647.
Genomic context (GRCh38, chr15:84,840,442, plus strand): 5'-CCCAGCCCAGAGGCAGGGCTGCACGGGGGCCTGGGTCCTCTGGCACAGATAGTACCAGGA[A>T]GCCAGCCTCTGCTGTGGGCACTCCAGACAAGGCCCAGAAGGCCCCTGGCCCAGGCCCAGG-3'
Protein context (NP_065829.4, residues 378-398): PGSSGTDSTR[Lys388Met]PASAVGTPDK

ClinVar aggregate classification (germline): Uncertain significance. Review status: criteria provided, multiple submitters, no conflicts (2 of 4 stars). 2 submissions from 2 submitters: Uncertain significance (2). Last evaluated 2025-06-25.

Conditions:
Cardiovascular phenotype. Identifiers: MedGen CN230736.

Allele frequency attached by ClinVar (database versions not stated): TOPMed below 0.00001; gnomAD 0.00001; gnomAD exomes below 0.00001.
gnomAD v4.1: 3 of 1,613,676 alleles (0.00019%); highest among the groups gnomAD compares: South Asian, 0.0022%; no homozygotes.

Submissions (2):

Labcorp Genetics (formerly Invitae), Labcorp
Classification: Uncertain significance. Last evaluated: 2025-06-25. Review status: criteria provided, single submitter. Criteria: Invitae Variant Classification Sherloc (09022015). Collection method: clinical testing. Allele origin: germline.
Comment: This sequence change replaces lysine, which is basic and polar, with methionine, which is neutral and non-polar, at codon 590 of the ALPK3 protein (p.Lys590Met). This variant is present in population databases (no rsID available, gnomAD 0.004%). This variant has not been reported in the literature in individuals affected with ALPK3-related conditions. ClinVar contains an entry for this variant (Variation ID: 1779729). An algorithm developed to predict the effect of missense changes on protein structure and function (PolyPhen-2) suggests that this variant is likely to be disruptive. In summary, the available evidence is currently insufficient to determine the role of this variant in disease. Therefore, it has been classified as a Variant of Uncertain Significance.

Ambry Genetics
Classification: Uncertain significance for Cardiovascular phenotype. Last evaluated: 2021-10-29. Review status: criteria provided, single submitter. Criteria: Ambry Variant Classification Scheme 2023. Collection method: clinical testing. Allele origin: germline.
Comment: The p.K590M variant (also known as c.1769A>T), located in coding exon 5 of the ALPK3 gene, results from an A to T substitution at nucleotide position 1769. The lysine at codon 590 is replaced by methionine, an amino acid with similar properties. This amino acid position is conserved. In addition, this alteration is predicted to be tolerated by in silico analysis. Since supporting evidence is limited at this time, the clinical significance of this alteration remains unclear.